The following is an entry in ClinVar:

NM_000132.4(F8):c.733C>T (p.Arg245Trp)

Gene: F8 (coagulation factor VIII; minus strand). Cytogenetic location: Xq28.
Variant type: single nucleotide variant.
Coding change: c.733C>T on transcript NM_000132.4 (MANE Select); coding-DNA position 733, C replaced by T.
Protein change: p.Arg245Trp; replaces arginine 245 with tryptophan.
Molecular consequence: missense variant.
Genome position (GRCh38, 1-based): chrX:154,984,741, G>A on the plus strand (C>T on the coding strand, the complement: F8 is on the minus strand). VCF-style: chrX-154984741-G-A. GRCh37 (hg19) VCF-style: chrX-154213016-G-A.
Other names: short protein forms R245W.
Identifiers: ClinVar variation 627370 (VCV000627370.16), dbSNP rs781943956, ClinGen allele CA10568550.

ClinVar aggregate classification (germline): Conflicting classifications of pathogenicity. Review status: criteria provided, conflicting classifications (1 of 4 stars). 6 submissions from 6 submitters: Pathogenic (1); Likely pathogenic (2); Uncertain significance (1). 2 of the submissions do not count toward it. Last evaluated 2025-05-01.

Conditions:
Thrombophilia, X-linked, due to factor 8 defect. Also called: Thrombophilia 13, X-linked, due to factor VIII defect; THROMBOPHILIA, X-LINKED, DUE TO FACTOR VIII DEFECT. Identifiers: MedGen C5676879, MONDO:0859082, OMIM 301071.
Hereditary factor IX deficiency disease (HEMB). Also called: PLASMA THROMBOPLASTIN COMPONENT DEFICIENCY; Christmas Disease; Hemophilia B; F9 DEFICIENCY; FACTOR IX DEFICIENCY. Identifiers: Orphanet 98879, MedGen C0008533, MeSH D002836, MONDO:0010604, OMIM 306900.

Allele frequency attached by ClinVar (database versions not stated): gnomAD exomes 0.00001; ExAC 0.00002; TOPMed 0.00002; gnomAD 0.00003.
gnomAD v4.1: 12 of 1,209,686 alleles (0.00099%); highest among the groups gnomAD compares: Admixed American, 0.0022%; no homozygotes.

Submissions (6):

CeGaT Center for Human Genetics Tuebingen
Classification: Likely pathogenic. Last evaluated: 2025-05-01. Review status: criteria provided, single submitter. Criteria: CeGaT Center For Human Genetics Tuebingen Variant Classification Criteria Version 2. Collection method: clinical testing. Allele origin: germline. Affected: yes. Observed: 1 variant allele.
Comment: F8: PM1, PS4:Moderate, PM2:Supporting, PM5:Supporting

Mendelics
Classification: Pathogenic for Thrombophilia, X-linked, due to factor 8 defect. Last evaluated: 2022-05-04. Review status: criteria provided, single submitter. Criteria: Mendelics Assertion Criteria 2019. Collection method: clinical testing. Allele origin: germline.

Blueprint Genetics
Classification: Uncertain significance. Last evaluated: 2020-10-19. Review status: criteria provided, single submitter. Criteria: ACMG Guidelines, 2015. Collection method: clinical testing. Allele origin: germline.

NIHR Bioresource Rare Diseases, University of Cambridge
Classification: Likely pathogenic for Hereditary factor IX deficiency disease. Last evaluated: 2019-02-01. Review status: criteria provided, single submitter. Criteria: ACMG Guidelines, 2015. Collection method: research. Allele origin: unknown. Affected: yes. Observed: 1 hemizygote. Study: ThromboGenomics.

Clinical Genetics DNA and cytogenetics Diagnostics Lab, Erasmus MC, Erasmus Medical Center
Classification: Uncertain significance. Review status: no assertion criteria provided. Collection method: clinical testing. Allele origin: germline. Affected: yes. Study: VKGL Data-share Consensus. Not counted in ClinVar's aggregate classification.

Genome Diagnostics Laboratory, University Medical Center Utrecht
Classification: Uncertain significance. Review status: no assertion criteria provided. Collection method: clinical testing. Allele origin: germline. Affected: yes. Study: VKGL Data-share Consensus. Not counted in ClinVar's aggregate classification.

Literature cited by the submitters: PubMed 31064749 (cited by NIHR Bioresource Rare Diseases, University of Cambridge).